The following is an entry in ClinVar:

ClinVar aggregate classification (germline): Uncertain significance. Review status: criteria provided, multiple submitters, no conflicts (2 of 4 stars). 2 submissions from 2 submitters: Uncertain significance (2). Last evaluated 2024-05-09.

Conditions:
Ataxia-telangiectasia syndrome (AT). Also called: ATAXIA-TELANGIECTASIA, COMPLEMENTATION GROUP A; Ataxia telangiectasia (A-T); Cerebello-oculocutaneous telangiectasia; Immunodeficiency with ataxia telangiectasia; LOUIS-BAR SYNDROME; ATAXIA-TELANGIECTASIA, FRESNO VARIANT. Identifiers: Orphanet 100, MedGen C0004135, MONDO:0008840, OMIM 208900.
Hereditary cancer-predisposing syndrome. Also called: Neoplastic Syndromes, Hereditary; Hereditary Cancer Syndrome; Hereditary neoplastic syndrome; Tumor predisposition. Identifiers: Orphanet 140162, MedGen C0027672, MeSH D009386, MONDO:0015356.

Submissions (2):

Ambry Genetics
Classification: Uncertain significance for Hereditary cancer-predisposing syndrome. Last evaluated: 2024-05-09. Review status: criteria provided, single submitter. Criteria: Ambry Variant Classification Scheme 2023. Collection method: clinical testing. Allele origin: germline.
Comment: The c.4237-7_4237-5delTTT intronic variant, located in intron 27 of the ATM gene, results from a deletion of 3 nucleotides within intron 27 of the ATM gene. This nucleotide region is well conserved in available vertebrate species. In silico splice site analysis predicts that this alteration may weaken the native splice acceptor site; however, direct evidence is insufficient at this time (Ambry internal data). Based on the available evidence, the clinical significance of this variant remains unclear.

Labcorp Genetics (formerly Invitae), Labcorp
Classification: Uncertain significance for Ataxia-telangiectasia syndrome. Last evaluated: 2022-11-25. Review status: criteria provided, single submitter. Criteria: Invitae Variant Classification Sherloc (09022015). Collection method: clinical testing. Allele origin: germline.
Comment: This variant has not been reported in the literature in individuals affected with ATM-related conditions. This variant is not present in population databases (gnomAD no frequency). Algorithms developed to predict the effect of sequence changes on RNA splicing suggest that this variant may disrupt the consensus splice site. This sequence change falls in intron 28 of the ATM gene. It does not directly change the encoded amino acid sequence of the ATM protein. In summary, the available evidence is currently insufficient to determine the role of this variant in disease. Therefore, it has been classified as a Variant of Uncertain Significance.

NM_000051.4(ATM):c.4237-7_4237-5del

Gene: ATM (ATM serine/threonine kinase; plus strand). Cytogenetic location: 11q22.3.
Variant type: Deletion.
Coding change: c.4237-7_4237-5del on transcript NM_000051.4 (MANE Select); 7 bases into the intron before coding-DNA position 4237 through 5 bases into the intron before coding-DNA position 4237, 3 bases deleted (TTT; older notation c.4237-7_4237-5delTTT).
Molecular consequence: intron variant.
Genome position (GRCh38, 1-based): chr11:108,289,595-108,289,597, TTT deleted; deleting any 3 consecutive bases within chr11:108,289,594-108,289,597 gives the same sequence; the c. name uses the placement nearest the transcript's 3' end. VCF-style (leftmost placement, unchanged base first): chr11-108289593-ATTT-A. GRCh37 (hg19) VCF-style: chr11-108160320-ATTT-A.
Other names: c.4237-7_4237-5delTTT (NM_000051.3); c.4237-7_4237-5del (NM_001351834.2).
Identifiers: ClinVar variation 2816660 (VCV002816660.4), dbSNP rs2546908234, ClinGen allele CA2739266029.
Genomic context (GRCh38, chr11:108,289,593, plus strand): 5'-TATAAAGTGTATTTATTGTAGCCGAGTATCTAATTAAACAAGTTTTTACTAAATCTGTTT[ATTT>A]TCTAGGATTCCTATCAGAAAATTCTTCTTGCCATATGTGAGCAAGCAGCTGAAACAAATA-3'